The following is an entry in ClinVar:

ClinVar aggregate classification (germline): Likely pathogenic. Review status: criteria provided, multiple submitters, no conflicts (2 of 4 stars). 2 submissions from 2 submitters: Likely pathogenic (2). Last evaluated 2023-07-17.

Conditions:
Infantile liver failure syndrome 2 (ILFS2). Identifiers: MedGen C3809651, MONDO:0014659, OMIM 616483.

Allele frequency attached by ClinVar (database versions not stated): gnomAD exomes below 0.00001.
gnomAD v4.1: 7 of 1,614,254 alleles (0.00043%); highest among the groups gnomAD compares: Non-Finnish European, 0.00051%; no homozygotes.

Submissions (2):

Victorian Clinical Genetics Services, Murdoch Childrens Research Institute
Classification: Likely pathogenic for Infantile liver failure syndrome 2. Last evaluated: 2023-07-17. Review status: criteria provided, single submitter. Criteria: ACMG Guidelines, 2015. Collection method: clinical testing. Allele origin: germline. Inheritance: Autosomal recessive inheritance. Affected: yes.
Comment: Based on the classification scheme VCGS_Germline_v1.3.2, this variant is classified as Likely Pathogenic. Following criteria are met: 0102 - Loss of function is a known mechanism of disease in this gene and is associated with infantile liver failure syndrome 2. (I) 0106 - This gene is associated with autosomal recessive disease. (I) 0200 - Variant is predicted to result in a missense amino acid change from arginine to glycine. (I) 0251 - This variant is heterozygous. (I) 0304 - Variant is present in gnomAD <0.01 for a recessive condition (1 heterozygote, 0 homozygotes) (SP) 0501 - Missense variant consistently predicted to be damaging by multiple in silico tools or highly conserved with a major amino acid change. (SP) 0602 - Variant is located in a hotspot region or cluster of pathogenic variants (Nbas_N domain; PMID: 30825388) (SP) 0705 - No comparable missense variants have previous evidence for pathogenicity. (I) 0807 - This variant has no previous evidence of pathogenicity. (I) 0905 - No published segregation evidence has been identified for this variant. (I) 1001 - This variant has strong functional evidence supporting abnormal protein function. Analysis of this patient's fibroblasts revealed normal NBAS protein levels but significantly reduced p31, its interaction partner (J Christodoulou). (SP) 1101 - Very strong and specific phenotype match for this individual. (I) Legend: (SP) - Supporting pathogenic, (I) - Information, (SB) - Supporting benign

Brain and Mitochondrial Research, Murdoch Children's Research Insitute
Classification: Likely pathogenic for Infantile liver failure syndrome 2. Review status: criteria provided, single submitter. Criteria: ACMG Guidelines, 2015. Collection method: research. Allele origin: germline, not applicable. Inheritance: Autosomal recessive inheritance. Affected: yes. Observed: 1 compound heterozygote.
Comment: The NM_015909.3(NBAS):c.406A>G; It has not been previously reported in association with disease. Computational tools predict a deleterious effect of the variant on protein function, and the variant is highly conserved (100 vertebrates, UCSC, (accessed 15/11/2019). There is a large physicochemical difference between arginine and glycine (Grantham Distance of 125). The variant is located in the β-propeller domain. This variant was identified in trans with another NBAS pathogenic variant. Analysis of this patient's fibroblasts revealed normal NBAS protein levels but significantly reduced p31, its interaction partner. Based on current information this variant has been classified as LIKELY PATHOGENIC.

Literature cited by the submitters: PubMed 30825388 (cited by Victorian Clinical Genetics Services, Murdoch Childrens Research Institute).

NM_015909.4(NBAS):c.406A>G (p.Arg136Gly)

Gene: NBAS (NBAS subunit of NRZ tethering complex; minus strand). Cytogenetic location: 2p24.3.
Variant type: single nucleotide variant.
Coding change: c.406A>G on transcript NM_015909.4 (MANE Select); coding-DNA position 406, A replaced by G.
Protein change: p.Arg136Gly; replaces arginine 136 with glycine.
Molecular consequence: missense variant. On other transcripts: non-coding transcript variant (1).
Genome position (GRCh38, 1-based): chr2:15,539,330, T>C on the plus strand (A>G on the coding strand, the complement: NBAS is on the minus strand). VCF-style: chr2-15539330-T-C. GRCh37 (hg19) VCF-style: chr2-15679454-T-C.
Other names: short protein forms R136G.
Identifiers: ClinVar variation 1335899 (VCV001335899.4), dbSNP rs1253033456, ClinGen allele CA345888329.